The following is an entry in ClinVar:

ClinVar aggregate classification (germline): Uncertain significance (1 of 4 stars; one submission).

Conditions:
Alstrom syndrome (ALMS). Identifiers: Orphanet 64, MedGen C0268425, MONDO:0008763, OMIM 203800.

Allele frequency attached by ClinVar (database versions not stated): gnomAD exomes below 0.00001; ExAC 0.00001; TOPMed 0.00001.
gnomAD v4.1: 5 of 1,614,098 alleles (0.00031%); highest among the groups gnomAD compares: South Asian, 0.0011%; no homozygotes.

Submission:

Labcorp Genetics (formerly Invitae), Labcorp
Classification: Uncertain significance for Alstrom syndrome. Last evaluated: 2022-05-14. Review status: criteria provided, single submitter. Criteria: Invitae Variant Classification Sherloc (09022015). Collection method: clinical testing. Allele origin: germline.
Comment: This sequence change replaces arginine, which is basic and polar, with glutamine, which is neutral and polar, at codon 2565 of the ALMS1 protein (p.Arg2565Gln). This variant is present in population databases (rs759574394, gnomAD 0.003%). This variant has not been reported in the literature in individuals affected with ALMS1-related conditions. Experimental studies and prediction algorithms are not available or were not evaluated, and the effect of this variant on mRNA splicing is currently unknown. In summary, the available evidence is currently insufficient to determine the role of this variant in disease. Therefore, it has been classified as a Variant of Uncertain Significance.

NM_001378454.1(ALMS1):c.7691G>A (p.Arg2564Gln)

Gene: ALMS1 (ALMS1 centrosome and basal body associated protein; plus strand). Cytogenetic location: 2p13.1.
Variant type: single nucleotide variant.
Coding change: c.7691G>A on transcript NM_001378454.1 (MANE Select); coding-DNA position 7691, G replaced by A.
Protein change: p.Arg2564Gln; replaces arginine 2564 with glutamine.
Molecular consequence: missense variant.
Genome position (GRCh38, 1-based): chr2:73,489,650, G>A. VCF-style: chr2-73489650-G-A. GRCh37 (hg19) VCF-style: chr2-73716777-G-A.
Other names: c.7694G>A, p.Arg2565Gln (NM_015120.4); short protein forms R2565Q, R2564Q.
Identifiers: ClinVar variation 2140880 (VCV002140880.1), dbSNP rs759574394, ClinGen allele CA1714322.